The following is an entry in ClinVar:

NM_006254.4(PRKCD):c.1415+4C>T

Gene: PRKCD (protein kinase C delta; plus strand). Cytogenetic location: 3p21.1.
Variant type: single nucleotide variant.
Coding change: c.1415+4C>T on transcript NM_006254.4 (MANE Select); 4 bases into the intron after coding-DNA position 1415, C replaced by T.
Molecular consequence: intron variant.
Genome position (GRCh38, 1-based): chr3:53,187,406, C>T. VCF-style: chr3-53187406-C-T. GRCh37 (hg19) VCF-style: chr3-53221422-C-T.
Other names: c.1415+4C>T (NM_001354680.2, NM_001354679.2, NM_212539.2 and 1 more transcripts); c.1472+4C>T (NM_001354676.2); c.1463+4C>T (NM_001354678.2).
Identifiers: ClinVar variation 2155366 (VCV002155366.4), dbSNP rs781987367, ClinGen allele CA2452174.

ClinVar aggregate classification (germline): Uncertain significance (1 of 4 stars; one submission).

Conditions:
Autoimmune lymphoproliferative syndrome, type III caused by mutation in PRKCD. Identifiers: Orphanet 3261, Orphanet 664711, MedGen C3809928, MONDO:8000024, OMIM 615559.

Allele frequency attached by ClinVar (database versions not stated): gnomAD exomes 0.00001; ExAC 0.00002; TOPMed 0.00002.
gnomAD v4.1: 16 of 1,613,862 alleles (0.00099%); highest among the groups gnomAD compares: Admixed American, 0.0033%; no homozygotes.

Submission:

Labcorp Genetics (formerly Invitae), Labcorp
Classification: Uncertain significance for Autoimmune lymphoproliferative syndrome, type III caused by mutation in PRKCD. Last evaluated: 2022-05-29. Review status: criteria provided, single submitter. Criteria: Invitae Variant Classification Sherloc (09022015). Collection method: clinical testing. Allele origin: germline.
Comment: Variants that disrupt the consensus splice site are a relatively common cause of aberrant splicing (PMID: 17576681, 9536098). Algorithms developed to predict the effect of sequence changes on RNA splicing suggest that this variant is not likely to affect RNA splicing. This variant has not been reported in the literature in individuals affected with PRKCD-related conditions. This variant is present in population databases (rs781987367, gnomAD 0.006%). This sequence change falls in intron 15 of the PRKCD gene. It does not directly change the encoded amino acid sequence of the PRKCD protein. It affects a nucleotide within the consensus splice site. In summary, the available evidence is currently insufficient to determine the role of this variant in disease. Therefore, it has been classified as a Variant of Uncertain Significance.

Literature cited by the submitters: PubMed 17576681; PubMed 9536098.